The following is an entry in ClinVar:

ClinVar aggregate classification (germline): Uncertain significance. Review status: criteria provided, multiple submitters, no conflicts (2 of 4 stars). 4 submissions from 4 submitters: Uncertain significance (4). Last evaluated 2025-07-23.

Conditions:
Cardiovascular phenotype. Identifiers: MedGen CN230736.
Dilated cardiomyopathy 1HH (CMD1HH). Identifiers: Orphanet 154, MedGen C3151293, MONDO:0013479, OMIM 613881.
Myofibrillar myopathy 6. Identifiers: Orphanet 199340, MedGen C2751831, MONDO:0013061, OMIM 612954.

Allele frequency attached by ClinVar (database versions not stated): gnomAD 0.00001; gnomAD exomes 0.00001; TOPMed 0.00001.
gnomAD v4.1: 13 of 1,613,822 alleles (0.00081%); highest among the groups gnomAD compares: Non-Finnish European, 0.0011%; 1 homozygote.

Submissions (4):

Labcorp Genetics (formerly Invitae), Labcorp
Classification: Uncertain significance for Dilated cardiomyopathy 1HH; Myofibrillar myopathy 6. Last evaluated: 2025-07-23. Review status: criteria provided, single submitter. Criteria: Invitae Variant Classification Sherloc (09022015). Collection method: clinical testing. Allele origin: germline.
Comment: This sequence change replaces glutamine, which is neutral and polar, with arginine, which is basic and polar, at codon 316 of the BAG3 protein (p.Gln316Arg). This variant is present in population databases (no rsID available, gnomAD 0.003%). This variant has not been reported in the literature in individuals affected with BAG3-related conditions. ClinVar contains an entry for this variant (Variation ID: 834414). Invitae Evidence Modeling of protein sequence and biophysical properties (such as structural, functional, and spatial information, amino acid conservation, physicochemical variation, residue mobility, and thermodynamic stability) indicates that this missense variant is not expected to disrupt BAG3 protein function with a negative predictive value of 80%. In summary, the available evidence is currently insufficient to determine the role of this variant in disease. Therefore, it has been classified as a Variant of Uncertain Significance.

GeneDx
Classification: Uncertain significance. Last evaluated: 2025-04-22. Review status: criteria provided, single submitter. Criteria: GeneDx Variant Classification Process June 2021. Collection method: clinical testing. Allele origin: germline. Affected: yes.
Comment: Not observed at significant frequency in large population cohorts (gnomAD); In silico analysis indicates that this missense variant does not alter protein structure/function; Has not been previously published as pathogenic or benign to our knowledge; This variant is associated with the following publications: (PMID: 20001957)

Phosphorus, Inc.
Classification: Uncertain significance. Last evaluated: 2022-01-18. Review status: criteria provided, single submitter. Criteria: ACMG Guidelines, 2015. Collection method: clinical testing. Allele origin: germline. Inheritance: Autosomal dominant inheritance.
Comment: This missense variant results in an amino acid substitution of Glutamine with Arginine at codon 316 of the BAG3 gene (transcript: NM_004281.3). This variant has an entry in ClinVar (834414) NM_004281.4(BAG3):c.947A>G (p.Gln316Arg). This variant occurred in gnomAD with a total MAF of 0.0012% and with the highest MAF of 0.0027% in the European population. This position is not conserved. In silico functional algorithms predict this variant to be benign (PolyPhen) and tolerated (SIFT). However, no functional studies were performed to confirm either of those predictions. The variant has not occurred in the literature in association with the disease. Considering that this is a rare variant and the available evidence is not enough to ascertain its role in disease, it has been classified as Variant of Uncertain Significance.

Ambry Genetics
Classification: Uncertain significance for Cardiovascular phenotype. Last evaluated: 2020-08-04. Review status: criteria provided, single submitter. Criteria: Ambry Variant Classification Scheme 2023. Collection method: clinical testing. Allele origin: germline.
Comment: The p.Q316R variant (also known as c.947A>G), located in coding exon 4 of the BAG3 gene, results from an A to G substitution at nucleotide position 947. The glutamine at codon 316 is replaced by arginine, an amino acid with highly similar properties. This amino acid position is well conserved in available vertebrate species. In addition, this alteration is predicted to be tolerated by in silico analysis. Since supporting evidence is limited at this time, the clinical significance of this alteration remains unclear.

NM_004281.4(BAG3):c.947A>G (p.Gln316Arg)

Gene: BAG3 (BAG cochaperone 3; plus strand). Cytogenetic location: 10q26.11.
Variant type: single nucleotide variant.
Coding change: c.947A>G on transcript NM_004281.4 (MANE Select); coding-DNA position 947, A replaced by G.
Protein change: p.Gln316Arg; replaces glutamine 316 with arginine.
Molecular consequence: missense variant.
Genome position (GRCh38, 1-based): chr10:119,676,501, A>G. VCF-style: chr10-119676501-A-G. GRCh37 (hg19) VCF-style: chr10-121436013-A-G.
Other names: short protein forms Q316R.
Identifiers: ClinVar variation 834414 (VCV000834414.11), dbSNP rs1246603543, ClinGen allele CA378296320.
Genomic context (GRCh38, chr10:119,676,501, plus strand): 5'-ATATTTTTGTGTCCTTTTTTCAGCAGCCCATGACCCATCGAGAAACTGCACCTGTTTCCC[A>G]GCCTGAAAACAAACCAGAAAGTAAGCCAGGCCCAGTTGGACCAGAACTCCCTCCTGGACA-3'
Protein context (NP_004272.2, residues 306-326): MTHRETAPVS[Gln316Arg]PENKPESKPG